The following is an entry in ClinVar:

NM_003128.3(SPTBN1):c.6556G>A (p.Ala2186Thr)

Genes: SPTBN1 (spectrin beta, non-erythrocytic 1; plus strand), SPTBN1-AS2 (SPTBN1 antisense RNA 2; minus strand). Cytogenetic location: 2p16.2.
Variant type: single nucleotide variant.
Coding change: c.6556G>A on transcript NM_003128.3 (MANE Select); coding-DNA position 6556, G replaced by A.
Protein change: p.Ala2186Thr; replaces alanine 2186 with threonine.
Molecular consequence: missense variant.
Genome position (GRCh38, 1-based): chr2:54,664,588, G>A. VCF-style: chr2-54664588-G-A. GRCh37 (hg19) VCF-style: chr2-54891725-G-A.
Other names: short protein forms A2186T.
Identifiers: ClinVar variation 2210151 (VCV002210151.4), dbSNP rs200361368, ClinGen allele CA1661760.

ClinVar aggregate classification (germline): Likely benign. Review status: criteria provided, multiple submitters, no conflicts (2 of 4 stars). 2 submissions from 2 submitters: Likely benign (2). Last evaluated 2026-05-01.

Conditions:
Inborn genetic diseases. Identifiers: MedGen C0950123, MeSH D030342.

Allele frequency attached by ClinVar (database versions not stated): TOPMed 0.00014; gnomAD 0.00016; ExAC 0.00017; gnomAD exomes 0.00025; ESP Exome Variant Server 0.00031.
gnomAD v4.1: 385 of 1,613,940 alleles (0.024%); highest among the groups gnomAD compares: Middle Eastern, 0.099%; no homozygotes.

Submissions (2):

CeGaT Center for Human Genetics Tuebingen
Classification: Likely benign. Last evaluated: 2026-05-01. Review status: criteria provided, single submitter. Criteria: CeGaT Center For Human Genetics Tuebingen Variant Classification Criteria Version 2. Collection method: clinical testing. Allele origin: germline. Affected: yes. Observed: 1 variant allele.
Comment: SPTBN1: BP4

Ambry Genetics
Classification: Likely benign for Inborn genetic diseases. Last evaluated: 2022-09-06. Review status: criteria provided, single submitter. Criteria: Ambry Variant Classification Scheme 2023. Collection method: clinical testing. Allele origin: germline.